The following is an entry in ClinVar:

NM_001447.3(FAT2):c.2470G>C (p.Gly824Arg)

Gene: FAT2 (FAT atypical cadherin 2; minus strand). Cytogenetic location: 5q33.1.
Variant type: single nucleotide variant.
Coding change: c.2470G>C on transcript NM_001447.3 (MANE Select); coding-DNA position 2470, G replaced by C.
Protein change: p.Gly824Arg; replaces glycine 824 with arginine.
Molecular consequence: missense variant.
Genome position (GRCh38, 1-based): chr5:151,566,462, C>G on the plus strand (G>C on the coding strand, the complement: FAT2 is on the minus strand). VCF-style: chr5-151566462-C-G. GRCh37 (hg19) VCF-style: chr5-150946023-C-G.
Other names: c.2470G>C (NM_001447.2); short protein forms G824R.
Identifiers: ClinVar variation 2977979 (VCV002977979.4), dbSNP rs2127646065, ClinGen allele CA361852281.

ClinVar aggregate classification (germline): Uncertain significance. Review status: criteria provided, multiple submitters, no conflicts (2 of 4 stars). 2 submissions from 2 submitters: Uncertain significance (2). Last evaluated 2025-11-13.

gnomAD v4.1: 1 of 1,613,398 alleles (0.000062%); highest among the groups gnomAD compares: Non-Finnish European, 0.000085%; no homozygotes.

Submissions (2):

Ambry Genetics
Classification: Uncertain significance. Last evaluated: 2025-11-13. Review status: criteria provided, single submitter. Criteria: Ambry Variant Classification Scheme 2023. Collection method: clinical testing. Allele origin: germline.

Labcorp Genetics (formerly Invitae), Labcorp
Classification: Uncertain significance. Last evaluated: 2023-01-31. Review status: criteria provided, single submitter. Criteria: Invitae Variant Classification Sherloc (09022015). Collection method: clinical testing. Allele origin: germline.
Comment: In summary, the available evidence is currently insufficient to determine the role of this variant in disease. Therefore, it has been classified as a Variant of Uncertain Significance. This sequence change replaces glycine, which is neutral and non-polar, with arginine, which is basic and polar, at codon 824 of the FAT2 protein (p.Gly824Arg). This variant is not present in population databases (gnomAD no frequency). This variant has not been reported in the literature in individuals affected with FAT2-related conditions. Advanced modeling of protein sequence and biophysical properties (such as structural, functional, and spatial information, amino acid conservation, physicochemical variation, residue mobility, and thermodynamic stability) performed at Invitae indicates that this missense variant is expected to disrupt FAT2 protein function.